The following is an entry in ClinVar:

ClinVar aggregate classification (germline): Benign. Review status: reviewed by expert panel (3 of 4 stars). 4 submissions from 4 submitters: Benign (1). 3 of the submissions do not count toward it. Last evaluated 2024-08-12.

Conditions:
Hereditary von Willebrand disease. Identifiers: Orphanet 903, MedGen C5703318, MONDO:0019565. Inheritance: Autosomal recessive or Autosomal dominant.

Allele frequency attached by ClinVar (database versions not stated): ESP Exome Variant Server 0.07612; TOPMed 0.07908; gnomAD 0.08026 and 0.08351; gnomAD exomes 0.09555 and 0.10005; ExAC 0.10084; 1000 Genomes Project 30x 0.10119; 1000 Genomes Project 0.10304.

Submissions (4):

ClinGen von Willebrand Disease Variant Curation Expert Panel, ClinGen
Classification: Benign for Hereditary von Willebrand disease. Last evaluated: 2024-08-12. Review status: reviewed by expert panel. Criteria: ClinGen VWD 2A B M Rules. Collection method: curation. Allele origin: germline.
Comment: The Arg852Gln missense variant occurs at a MAF of 0.2054 in the gnomAD v4.1 East Asian population, which is higher than the ClinGen VWD VCEP threshold (>1%) for BA1. Therefore, this variant is classified as Benign.

Mayo Clinic Laboratories, Mayo Clinic
Classification: Benign. Last evaluated: 2025-02-19. Review status: criteria provided, single submitter. Criteria: ACMG Guidelines, 2015. Collection method: clinical testing. Allele origin: germline. Observed: 86 variant alleles. Not counted in ClinVar's aggregate classification.

ARUP Laboratories, Molecular Genetics and Genomics, ARUP Laboratories
Classification: Benign. Last evaluated: 2020-11-18. Review status: criteria provided, single submitter. Criteria: ARUP Molecular Germline Variant Investigation Process 2021. Collection method: clinical testing. Allele origin: germline. Not counted in ClinVar's aggregate classification.

GeneDx
Classification: Benign. Last evaluated: 2018-06-19. Review status: criteria provided, single submitter. Criteria: GeneDx Variant Classification (06012015). Collection method: clinical testing. Allele origin: germline. Affected: yes. Not counted in ClinVar's aggregate classification.
Comment: This variant is considered likely benign or benign based on one or more of the following criteria: it is a conservative change, it occurs at a poorly conserved position in the protein, it is predicted to be benign by multiple in silico algorithms, and/or has population frequency not consistent with disease.

NM_000552.5(VWF):c.2555= (p.Gln852=)

Gene: VWF (von Willebrand factor; minus strand). Cytogenetic location: 12p13.31.
Variant type: single nucleotide variant.
Coding change: c.2555= on transcript NM_000552.5 (MANE Select); coding-DNA position 2555, no change from the reference sequence.
Protein change: p.Gln852=; no amino-acid change (glutamine 852 retained).
Molecular consequence: no sequence alteration.
Genome position: GRCh38 VCF-style: chr12-6034818-T-T. GRCh37 (hg19) VCF-style: chr12-6143984-T-T.
Other names: NM_000552.4(VWF):c.2555G>A; p.Arg852Gln; c.2555G>A (NM_000552.4).
Identifiers: ClinVar variation 440410 (VCV000440410.13), dbSNP rs216321.